The following is an entry in ClinVar:

ClinVar aggregate classification (germline): Uncertain significance (1 of 4 stars; one submission).

Submission:

GeneDx
Classification: Uncertain significance. Last evaluated: 2022-04-22. Review status: criteria provided, single submitter. Criteria: GeneDx Variant Classification Process June 2021. Collection method: clinical testing. Allele origin: germline. Affected: yes.
Comment: Not observed at significant frequency in large population cohorts (gnomAD); In silico analysis supports that this missense variant does not alter protein structure/function; Has not been previously published as pathogenic or benign to our knowledge

NM_006662.3(SRCAP):c.8393G>A (p.Gly2798Glu)

Gene: SRCAP (Snf2 related CREBBP activator protein; plus strand). Cytogenetic location: 16p11.2.
Variant type: single nucleotide variant.
Coding change: c.8393G>A on transcript NM_006662.3 (MANE Select); coding-DNA position 8393, G replaced by A.
Protein change: p.Gly2798Glu; replaces glycine 2798 with glutamic acid.
Molecular consequence: missense variant.
Genome position (GRCh38, 1-based): chr16:30,738,433, G>A. VCF-style: chr16-30738433-G-A. GRCh37 (hg19) VCF-style: chr16-30749754-G-A.
Other names: short protein forms G2798E.
Identifiers: ClinVar variation 1711921 (VCV001711921.2), dbSNP rs2506731998, ClinGen allele CA395637374.